The following is an entry in ClinVar:

NM_002227.4(JAK1):c.907C>A (p.His303Asn)

Gene: JAK1 (Janus kinase 1; minus strand). Cytogenetic location: 1p31.3.
Variant type: single nucleotide variant.
Coding change: c.907C>A on transcript NM_002227.4 (MANE Select); coding-DNA position 907, C replaced by A.
Protein change: p.His303Asn; replaces histidine 303 with asparagine.
Molecular consequence: missense variant.
Genome position (GRCh38, 1-based): chr1:64,866,949, G>T on the plus strand (C>A on the coding strand, the complement: JAK1 is on the minus strand). VCF-style: chr1-64866949-G-T. GRCh37 (hg19) VCF-style: chr1-65332632-G-T.
Other names: c.907C>A, p.His303Asn (NM_001320923.2, NM_001321852.2, NM_001321853.2 and 4 more transcripts); short protein forms H303N.
Identifiers: ClinVar variation 1970132 (VCV001970132.5), dbSNP rs1341838591, ClinGen allele CA340675022.
Genomic context (GRCh38, chr1:64,866,949, plus strand): 5'-TTCCAAGATTCCCAGTCACCATCACTTCGTAGTAGAGAACGTTTCCACCGTCATTCGAAT[G>T]AAACCAATTCATCTCATTTTCTGATGAAATCAGTAACATGGAAGTCTCAAATATTTCAGC-3'
Protein context (NP_002218.2, residues 293-313): ISSENEMNWF[His303Asn]SNDGGNVLYY

ClinVar aggregate classification (germline): Uncertain significance (1 of 4 stars; one submission).

Allele frequency attached by ClinVar (database versions not stated): gnomAD exomes below 0.00001.
gnomAD v4.1: 2 of 1,614,198 alleles (0.00012%); highest among the groups gnomAD compares: East Asian, 0.0022%; no homozygotes.

Submission:

Labcorp Genetics (formerly Invitae), Labcorp
Classification: Uncertain significance. Last evaluated: 2022-05-29. Review status: criteria provided, single submitter. Criteria: Invitae Variant Classification Sherloc (09022015). Collection method: clinical testing. Allele origin: germline.
Comment: This variant has not been reported in the literature in individuals affected with JAK1-related conditions. Algorithms developed to predict the effect of missense changes on protein structure and function output the following: SIFT: "Not Available"; PolyPhen-2: "Benign"; Align-GVGD: "Not Available". The asparagine amino acid residue is found in multiple mammalian species, which suggests that this missense change does not adversely affect protein function. In summary, the available evidence is currently insufficient to determine the role of this variant in disease. Therefore, it has been classified as a Variant of Uncertain Significance. This sequence change replaces histidine, which is basic and polar, with asparagine, which is neutral and polar, at codon 303 of the JAK1 protein (p.His303Asn). This variant is present in population databases (no rsID available, gnomAD 0.006%).